The following is an entry in ClinVar:

ClinVar aggregate classification (germline): Likely pathogenic (1 of 4 stars; one submission).

Conditions:
EIF2AK3-related disorder. Also called: EIF2AK3-related condition.

gnomAD v4.1: 1 of 1,613,828 alleles (0.000062%); highest among the groups gnomAD compares: East Asian, 0.0022%; no homozygotes.

Submission:

PreventionGenetics, part of Exact Sciences
Classification: Likely pathogenic for EIF2AK3-related condition. Last evaluated: 2025-09-19. Review status: criteria provided, single submitter. Criteria: ACMG Guidelines, 2015. Collection method: clinical testing. Allele origin: germline.
Comment: The EIF2AK3 c.1002+1G>T variant is predicted to disrupt the GT donor site and interfere with normal splicing. To our knowledge, this variant has not been reported in the literature. This variant is reported in 0.0054% of alleles in individuals of East Asian descent in gnomAD. Variants that disrupt the consensus splice donor site in EIF2AK3 are expected to be pathogenic. This variant is interpreted as likely pathogenic.

NM_004836.7(EIF2AK3):c.1002+1G>T

Gene: EIF2AK3 (eukaryotic translation initiation factor 2 alpha kinase 3; minus strand). Cytogenetic location: 2p11.2.
Variant type: single nucleotide variant.
Coding change: c.1002+1G>T on transcript NM_004836.7 (MANE Select); the canonical splice donor site of the intron after coding-DNA position 1002, G replaced by T.
Molecular consequence: splice donor variant.
Genome position (GRCh38, 1-based): chr2:88,590,817, C>A on the plus strand (G>T on the coding strand, the complement: EIF2AK3 is on the minus strand). VCF-style: chr2-88590817-C-A. GRCh37 (hg19) VCF-style: chr2-88890335-C-A.
Other names: c.549+1G>T (NM_001313915.2).
Identifiers: ClinVar variation 4983376 (VCV004983376.1).